The following is an entry in ClinVar:

Single allele

Genes: LINC02415 (long intergenic non-protein coding RNA 2415; minus strand), LOC130009221 (ATAC-STARR-seq lymphoblastoid silent region 5096; plus strand). Cytogenetic location: 12q24.33.
Variant type: Deletion.
Identifiers: ClinVar variation 157266 (VCV000157266.2).

ClinVar aggregate classification (germline): not provided (0 of 4 stars; one submission).

Conditions:
Gestational diabetes mellitus uncontrolled. Identifiers: MedGen C3532257.

Submission:

Institute of Molecular and Cell Biology, University of Tartu
No classification provided. Condition: Gestational diabetes mellitus uncontrolled. Review status: no classification provided. Collection method: case-control. Allele origin: unknown. Affected: yes. Study: Kasak2014.
Comment: The study aimed to determine the contribution of copy number variants in the genetic etiology of normal and complicated pregnancies. The samples represented (i) maternal blood DNA drawn from healthy pregnant women during 1st or 2nd trimester and (ii) maternal and paternal blood DNA drawn at term pregnancy cases representing normal and complicated gestations (severe preeclampsia, PE; gestational diabetes, GD; small-for-gestational age newborn, SGA; large-for-gestational age newborn, LGA). We performed CNV calling based on genome-wide genotyping dataset (Illumina HumanOmniExpress-24-v1 BeadChip) by applying three algorithms, QuantiSNP, GADA (Genome Alteration Detection Algorithm) and CNstream in parallel. The acquired CNV calls were merged with HD-CNV (Hotspot Detector for Copy Number Variants) program and only the CNVs predicted by at least two programs, were considered in subsequent analysis.

Literature cited by the submitters: PubMed 25666259.